The following is an entry in ClinVar:

ClinVar aggregate classification (germline): Conflicting classifications of pathogenicity. Review status: criteria provided, conflicting classifications (1 of 4 stars). 4 submissions from 4 submitters: Uncertain significance (1); Benign (1); Likely benign (1). 1 of the submissions does not count toward it. Last evaluated 2025-05-15.

Conditions:
TSPEAR-related disorder. Also called: TSPEAR-related condition.
Inborn genetic diseases. Identifiers: MedGen C0950123, MeSH D030342.

Allele frequency attached by ClinVar (database versions not stated): ESP Exome Variant Server 0.00031; ExAC 0.00032; gnomAD 0.00034 and 0.00039.
gnomAD v4.1: 431 of 1,612,216 alleles (0.027%); highest among the groups gnomAD compares: Middle Eastern, 0.15%; no homozygotes.

Submissions (4):

Labcorp Genetics (formerly Invitae), Labcorp
Classification: Benign. Last evaluated: 2025-05-15. Review status: criteria provided, single submitter. Criteria: Invitae Variant Classification Sherloc (09022015). Collection method: clinical testing. Allele origin: germline.

Blueprint Genetics
Classification: Likely benign. Last evaluated: 2024-10-28. Review status: criteria provided, single submitter. Criteria: ACMG Guidelines, 2015. Collection method: clinical testing. Allele origin: germline.

Ambry Genetics
Classification: Uncertain significance for Inborn genetic diseases. Last evaluated: 2022-05-18. Review status: criteria provided, single submitter. Criteria: Ambry Variant Classification Scheme 2023. Collection method: clinical testing. Allele origin: germline.

PreventionGenetics, part of Exact Sciences
Classification: Benign for TSPEAR-related condition. Last evaluated: 2020-01-13. Review status: no assertion criteria provided. Collection method: clinical testing. Allele origin: germline. Not counted in ClinVar's aggregate classification.
Comment: This variant is classified as benign based on ACMG/AMP sequence variant interpretation guidelines (Richards et al. 2015 PMID: 25741868, with internal and published modifications).

NM_144991.3(TSPEAR):c.355C>T (p.Leu119Phe)

Gene: TSPEAR (thrombospondin type laminin G domain and EAR repeats; minus strand). Cytogenetic location: 21q22.3.
Variant type: single nucleotide variant.
Coding change: c.355C>T on transcript NM_144991.3 (MANE Select); coding-DNA position 355, C replaced by T.
Protein change: p.Leu119Phe; replaces leucine 119 with phenylalanine.
Molecular consequence: missense variant.
Genome position (GRCh38, 1-based): chr21:44,533,872, G>A on the plus strand (C>T on the coding strand, the complement: TSPEAR is on the minus strand). VCF-style: chr21-44533872-G-A. GRCh37 (hg19) VCF-style: chr21-45953755-G-A.
Other names: c.151C>T, p.Leu51Phe (NM_001272037.2); c.355C>T (NM_144991.2); short protein forms L51F, L119F.
Identifiers: ClinVar variation 1346621 (VCV001346621.10), dbSNP rs143941725, ClinGen allele CA10057047.